The following is an entry in ClinVar:

ClinVar aggregate classification (germline): Uncertain significance (1 of 4 stars; one submission).

Conditions:
Inborn genetic diseases. Identifiers: MedGen C0950123, MeSH D030342.

Submission:

Ambry Genetics
Classification: Uncertain significance for Inborn genetic diseases. Last evaluated: 2025-07-11. Review status: criteria provided, single submitter. Criteria: Ambry Variant Classification Scheme 2023. Collection method: clinical testing. Allele origin: germline.
Comment: The p.K559R variant (also known as c.1676A>G), located in coding exon 11 of the ERCC6L2 gene, results from an A to G substitution at nucleotide position 1676. The lysine at codon 559 is replaced by arginine, an amino acid with highly similar properties. This amino acid position is conserved. In addition, the in silico prediction for this alteration is inconclusive. Based on the available evidence, the clinical significance of this variant remains unclear.

NM_020207.7(ERCC6L2):c.1676A>G (p.Lys559Arg)

Gene: ERCC6L2 (ERCC excision repair 6 like 2; plus strand). Cytogenetic location: 9q22.32.
Variant type: single nucleotide variant.
Coding change: c.1676A>G on transcript NM_020207.7 (MANE Select); coding-DNA position 1676, A replaced by G.
Protein change: p.Lys559Arg; replaces lysine 559 with arginine.
Molecular consequence: missense variant. On other transcripts: non-coding transcript variant (1).
Genome position (GRCh38, 1-based): chr9:95,928,789, A>G. VCF-style: chr9-95928789-A-G. GRCh37 (hg19) VCF-style: chr9-98691071-A-G.
Other names: c.1676A>G, p.Lys559Arg (NM_001010895.4, NM_001375291.1, NM_001375292.1 and 2 more transcripts); short protein forms K559R.
Identifiers: ClinVar variation 4250575 (VCV004250575.1).